The following is an entry in ClinVar:

ClinVar aggregate classification (germline): Uncertain significance (0 of 4 stars; one submission).

Conditions:
PXDN-related disorder. Also called: PXDN-related condition.

Submission:

PreventionGenetics, part of Exact Sciences
Classification: Uncertain significance for PXDN-related condition. Last evaluated: 2024-05-03. Review status: no assertion criteria provided. Collection method: clinical testing. Allele origin: germline.
Comment: The PXDN c.4319A>G variant is predicted to result in the amino acid substitution p.Lys1440Arg. To our knowledge, this variant has not been reported in the literature or in a large population database, indicating this variant is rare. At this time, the clinical significance of this variant is uncertain due to the absence of conclusive functional and genetic evidence.

NM_012293.3(PXDN):c.4319A>G (p.Lys1440Arg)

Gene: PXDN (peroxidasin; minus strand). Cytogenetic location: 2p25.3.
Variant type: single nucleotide variant.
Coding change: c.4319A>G on transcript NM_012293.3 (MANE Select); coding-DNA position 4319, A replaced by G.
Protein change: p.Lys1440Arg; replaces lysine 1440 with arginine.
Molecular consequence: missense variant.
Genome position (GRCh38, 1-based): chr2:1,635,409, T>C on the plus strand (A>G on the coding strand, the complement: PXDN is on the minus strand). VCF-style: chr2-1635409-T-C. GRCh37 (hg19) VCF-style: chr2-1639181-T-C.
Other names: short protein forms K1440R.
Identifiers: ClinVar variation 3357113 (VCV003357113.1).
Genomic context (GRCh38, chr2:1,635,409, plus strand): 5'-ATGGGACTCTCGGACTTGCGTATACCTTAGGACATGAAGATAGAGCCCCCCATACTCACT[T>C]TGCATTCACAAATGGTGCATGCATCTTTTTTCCACTTGGTGTTGTTGGCGTGAGATTCGC-3'
Protein context (NP_036425.1, residues 1430-1450): KKDACTICEC[Lys1440Arg]DGQVTCFVEA